The following is an entry in ClinVar:

ClinVar aggregate classification (germline): Uncertain significance (1 of 4 stars; one submission).

Conditions:
Retinitis pigmentosa 73 (RP73). Identifiers: Orphanet 791, MedGen C4225287, MONDO:0014687, OMIM 616544.
Mucopolysaccharidosis, MPS-III-C (MPS3C). Also called: MPS IIIC (Sanfilippo Syndrome Type C); MUCOPOLYSACCHARIDOSIS, TYPE IIIC; Mucopolysaccharidosis type IIIC (Sanfilippo C); SANFILIPPO SYNDROME C; MPS III C; mucopolysaccharidosis type 3C. Identifiers: Orphanet 581, Orphanet 79271, MedGen C0086649, MONDO:0009657, OMIM 252930.

Submission:

Labcorp Genetics (formerly Invitae), Labcorp
Classification: Uncertain significance for Retinitis pigmentosa 73; Mucopolysaccharidosis, MPS-III-C. Last evaluated: 2023-07-10. Review status: criteria provided, single submitter. Criteria: Invitae Variant Classification Sherloc (09022015). Collection method: clinical testing. Allele origin: germline.
Comment: This sequence change replaces asparagine, which is neutral and polar, with isoleucine, which is neutral and non-polar, at codon 534 of the HGSNAT protein (p.Asn534Ile). This variant is not present in population databases (gnomAD no frequency). This variant has not been reported in the literature in individuals affected with HGSNAT-related conditions. ClinVar contains an entry for this variant (Variation ID: 1365309). Advanced modeling of protein sequence and biophysical properties (such as structural, functional, and spatial information, amino acid conservation, physicochemical variation, residue mobility, and thermodynamic stability) performed at Invitae indicates that this missense variant is expected to disrupt HGSNAT protein function. In summary, the available evidence is currently insufficient to determine the role of this variant in disease. Therefore, it has been classified as a Variant of Uncertain Significance.

NM_152419.3(HGSNAT):c.1601A>T (p.Asn534Ile)

Gene: HGSNAT (heparan-alpha-glucosaminide N-acetyltransferase; plus strand). Cytogenetic location: 8p11.21.
Variant type: single nucleotide variant.
Coding change: c.1601A>T on transcript NM_152419.3 (MANE Select); coding-DNA position 1601, A replaced by T.
Protein change: p.Asn534Ile; replaces asparagine 534 with isoleucine.
Molecular consequence: missense variant.
Genome position (GRCh38, 1-based): chr8:43,197,730, A>T. VCF-style: chr8-43197730-A-T. GRCh37 (hg19) VCF-style: chr8-43052873-A-T.
Other names: c.1688A>T, p.Asn563Ile (NM_001363227.2); c.1409A>T, p.Asn470Ile (NM_001363228.2); c.737A>T, p.Asn246Ile (NM_001363229.2); short protein forms N246I, N470I, N563I, N534I.
Identifiers: ClinVar variation 1365309 (VCV001365309.5), dbSNP rs2130821294, ClinGen allele CA371120561.
Genomic context (GRCh38, chr8:43,197,730, plus strand): 5'-AGGGGCTCATTTCTGTTGCTCTGACGAAGGTTTCTGAAAATGAAGGCTTTATTCCAGTAA[A>T]CAAAAATCTCTGGTATGTATGGAAAAAGCATGATTTTATGGATGACTGTTCATGCTGAAA-3'
Protein context (NP_689632.2, residues 524-544): VSENEGFIPV[Asn534Ile]KNLWSLSYVT